The following is an entry in ClinVar:

ClinVar aggregate classification (germline): Conflicting classifications of pathogenicity. Review status: criteria provided, conflicting classifications (1 of 4 stars). 2 submissions from 2 submitters: Uncertain significance (1); Likely benign (1). Last evaluated 2025-12-10.

gnomAD v4.1: 64 of 1,613,896 alleles (0.004%); highest among the groups gnomAD compares: East Asian, 0.033%; no homozygotes.

Submissions (2):

Labcorp Genetics (formerly Invitae), Labcorp
Classification: Uncertain significance. Last evaluated: 2025-12-10. Review status: criteria provided, single submitter. Criteria: Invitae Variant Classification Sherloc (09022015). Collection method: clinical testing. Allele origin: germline.
Comment: This sequence change replaces alanine, which is neutral and non-polar, with valine, which is neutral and non-polar, at codon 1240 of the NYNRIN protein (p.Ala1240Val). This variant is present in population databases (rs377707810, gnomAD 0.1%), and has an allele count higher than expected for a pathogenic variant. This variant has not been reported in the literature in individuals affected with NYNRIN-related conditions. ClinVar contains an entry for this variant (Variation ID: 3301767). Experimental studies and prediction algorithms are not available or were not evaluated, and the functional significance of this variant is currently unknown. In summary, the available evidence is currently insufficient to determine the role of this variant in disease. Therefore, it has been classified as a Variant of Uncertain Significance.

Ambry Genetics
Classification: Likely benign. Last evaluated: 2024-03-28. Review status: criteria provided, single submitter. Criteria: Ambry Variant Classification Scheme 2023. Collection method: clinical testing. Allele origin: germline.

NM_025081.3(NYNRIN):c.3719C>T (p.Ala1240Val)

Gene: NYNRIN (NYN domain and retroviral integrase containing; plus strand). Cytogenetic location: 14q12.
Variant type: single nucleotide variant.
Coding change: c.3719C>T on transcript NM_025081.3 (MANE Select); coding-DNA position 3719, C replaced by T.
Protein change: p.Ala1240Val; replaces alanine 1240 with valine.
Molecular consequence: missense variant.
Genome position (GRCh38, 1-based): chr14:24,415,468, C>T. VCF-style: chr14-24415468-C-T. GRCh37 (hg19) VCF-style: chr14-24884674-C-T.
Other names: short protein forms A1240V.
Identifiers: ClinVar variation 3301767 (VCV003301767.3).